The following is an entry in ClinVar:

ClinVar aggregate classification (germline): Uncertain significance (1 of 4 stars; one submission).

Submission:

Labcorp Genetics (formerly Invitae), Labcorp
Classification: Uncertain significance. Last evaluated: 2024-02-11. Review status: criteria provided, single submitter. Criteria: Invitae Variant Classification Sherloc (09022015). Collection method: clinical testing. Allele origin: germline.
Comment: This sequence change replaces lysine, which is basic and polar, with arginine, which is basic and polar, at codon 1407 of the SAMD9L protein (p.Lys1407Arg). This variant is not present in population databases (gnomAD no frequency). This variant has not been reported in the literature in individuals affected with SAMD9L-related conditions. ClinVar contains an entry for this variant (Variation ID: 1400328). Advanced modeling of protein sequence and biophysical properties (such as structural, functional, and spatial information, amino acid conservation, physicochemical variation, residue mobility, and thermodynamic stability) performed at Invitae indicates that this missense variant is not expected to disrupt SAMD9L protein function with a negative predictive value of 80%. In summary, the available evidence is currently insufficient to determine the role of this variant in disease. Therefore, it has been classified as a Variant of Uncertain Significance.

NM_152703.5(SAMD9L):c.4220A>G (p.Lys1407Arg)

Gene: SAMD9L (sterile alpha motif domain containing 9 like; minus strand). Cytogenetic location: 7q21.2.
Variant type: single nucleotide variant.
Coding change: c.4220A>G on transcript NM_152703.5 (MANE Select); coding-DNA position 4220, A replaced by G.
Protein change: p.Lys1407Arg; replaces lysine 1407 with arginine.
Molecular consequence: missense variant.
Genome position (GRCh38, 1-based): chr7:93,131,752, T>C on the plus strand (A>G on the coding strand, the complement: SAMD9L is on the minus strand). VCF-style: chr7-93131752-T-C. GRCh37 (hg19) VCF-style: chr7-92761065-T-C.
Other names: c.4220A>G, p.Lys1407Arg (NM_001303496.3, NM_001303497.3, NM_001303498.3 and 5 more transcripts); short protein forms K1407R.
Identifiers: ClinVar variation 1400328 (VCV001400328.8), dbSNP rs2116472117, ClinGen allele CA368175567.
Genomic context (GRCh38, chr7:93,131,752, plus strand): 5'-TAAGGACCTGGATATTGATGACTTAGTCCTACAAATTGCAAGACCTCTCGGAGTTGTTTT[T>C]TTAGCGTGGTAAGTGGTTGAATTAACTTGGAGTTGGGCTTTAGACAACTCAGAATAATGT-3'
Protein context (NP_689916.2, residues 1397-1417): SKLIQPLTTL[Lys1407Arg]KQLREVLQFV